The following is an entry in ClinVar:

NM_015295.3(SMCHD1):c.1829A>G (p.Lys610Arg)

Gene: SMCHD1 (structural maintenance of chromosomes flexible hinge domain containing 1; plus strand). Cytogenetic location: 18p11.32.
Variant type: single nucleotide variant.
Coding change: c.1829A>G on transcript NM_015295.3 (MANE Select); coding-DNA position 1829, A replaced by G.
Protein change: p.Lys610Arg; replaces lysine 610 with arginine.
Molecular consequence: missense variant.
Genome position (GRCh38, 1-based): chr18:2,703,873, A>G. VCF-style: chr18-2703873-A-G. GRCh37 (hg19) VCF-style: chr18-2703871-A-G.
Other names: c.1829A>G (NM_015295.2); short protein forms K610R.
Identifiers: ClinVar variation 2154376 (VCV002154376.4), dbSNP rs1345344385, ClinGen allele CA401678653.

ClinVar aggregate classification (germline): Uncertain significance. Review status: criteria provided, multiple submitters, no conflicts (2 of 4 stars). 2 submissions from 2 submitters: Uncertain significance (2). Last evaluated 2025-10-02.

Conditions:
Facioscapulohumeral muscular dystrophy 2 (FSHD2). Also called: FACIOSCAPULOHUMERAL MUSCULAR DYSTROPHY 2, DIGENIC; FSHD2, DIGENIC; MUSCULAR DYSTROPHY, FACIOSCAPULOHUMERAL, TYPE 1B. Identifiers: Orphanet 269, MedGen C1834671, MONDO:0008031, OMIM 158901.
Inborn genetic diseases. Identifiers: MedGen C0950123, MeSH D030342.

Allele frequency attached by ClinVar (database versions not stated): gnomAD 0.00001; gnomAD exomes 0.00001; TOPMed 0.00001.
gnomAD v4.1: 13 of 1,593,512 alleles (0.00082%); highest among the groups gnomAD compares: African/African-American, 0.0014%; no homozygotes.

Submissions (2):

Ambry Genetics
Classification: Uncertain significance for Inborn genetic diseases. Last evaluated: 2025-10-02. Review status: criteria provided, single submitter. Criteria: Ambry Variant Classification Scheme 2023. Collection method: clinical testing. Allele origin: germline.

Labcorp Genetics (formerly Invitae), Labcorp
Classification: Uncertain significance for Facioscapulohumeral muscular dystrophy 2. Last evaluated: 2024-08-12. Review status: criteria provided, single submitter. Criteria: Invitae Variant Classification Sherloc (09022015). Collection method: clinical testing. Allele origin: germline.
Comment: This sequence change replaces lysine, which is basic and polar, with arginine, which is basic and polar, at codon 610 of the SMCHD1 protein (p.Lys610Arg). This variant is present in population databases (no rsID available, gnomAD 0.004%). This variant has not been reported in the literature in individuals affected with SMCHD1-related conditions. ClinVar contains an entry for this variant (Variation ID: 2154376). Advanced modeling of protein sequence and biophysical properties (such as structural, functional, and spatial information, amino acid conservation, physicochemical variation, residue mobility, and thermodynamic stability) performed at Invitae indicates that this missense variant is not expected to disrupt SMCHD1 protein function with a negative predictive value of 80%. In summary, the available evidence is currently insufficient to determine the role of this variant in disease. Therefore, it has been classified as a Variant of Uncertain Significance.